The following is an entry in ClinVar:

ClinVar aggregate classification (germline): Uncertain significance (1 of 4 stars; one submission).

Submission:

Labcorp Genetics (formerly Invitae), Labcorp
Classification: Uncertain significance. Last evaluated: 2022-09-26. Review status: criteria provided, single submitter. Criteria: Invitae Variant Classification Sherloc (09022015). Collection method: clinical testing. Allele origin: germline.
Comment: In summary, the available evidence is currently insufficient to determine the role of this variant in disease. Therefore, it has been classified as a Variant of Uncertain Significance. This variant, c.1200_1202del, results in the deletion of 1 amino acid(s) of the HK1 protein (p.Asn400del), but otherwise preserves the integrity of the reading frame. This variant is not present in population databases (gnomAD no frequency). This variant has not been reported in the literature in individuals affected with HK1-related conditions. Experimental studies and prediction algorithms are not available or were not evaluated, and the functional significance of this variant is currently unknown.

NM_000188.3(HK1):c.1200_1202del (p.Asn400del)

Gene: HK1 (hexokinase 1; plus strand). Cytogenetic location: 10q22.1.
Variant type: Deletion.
Coding change: c.1200_1202del on transcript NM_000188.3 (MANE Select); coding-DNA positions 1200 to 1202, 3 bases deleted (CAA; older notation c.1200_1202delCAA).
Protein change: p.Asn400del; deletes asparagine 400.
Molecular consequence: inframe deletion.
Genome position (GRCh38, 1-based): chr10:69,380,030-69,380,032, CAA deleted; deleting any 3 consecutive bases within chr10:69,380,028-69,380,032 gives the same sequence; the c. name uses the placement nearest the transcript's 3' end. VCF-style (leftmost placement, unchanged base first): chr10-69380027-TAAC-T. GRCh37 (hg19) VCF-style: chr10-71139783-TAAC-T.
Other names: c.1212_1214del, p.Asn404del (NM_001322364.2, NM_001358263.1, NM_033497.3 and 1 more transcripts); c.1305_1307del, p.Asn435del (NM_001322365.2); c.1116_1118del, p.Asn372del (NM_001322366.1); c.1104_1106del, p.Asn368del (NM_001322367.1); c.1197_1199del, p.Asn399del (NM_033496.3); c.1164_1166del, p.Asn388del (NM_033500.2); short protein forms N368del, N435del, N404del, N399del, N372del, N388del, N400del.
Identifiers: ClinVar variation 2032726 (VCV002032726.4), dbSNP rs2540411493, ClinGen allele CA2574568018.